The following is an entry in ClinVar:

NM_021625.5(TRPV4):c.799C>G (p.Gln267Glu)

Gene: TRPV4 (transient receptor potential cation channel subfamily V member 4; minus strand). Cytogenetic location: 12q24.11.
Variant type: single nucleotide variant.
Coding change: c.799C>G on transcript NM_021625.5 (MANE Select); coding-DNA position 799, C replaced by G.
Protein change: p.Gln267Glu; replaces glutamine 267 with glutamic acid.
Molecular consequence: missense variant. On other transcripts: intron variant (2).
Genome position (GRCh38, 1-based): chr12:109,800,672, G>C on the plus strand (C>G on the coding strand, the complement: TRPV4 is on the minus strand). VCF-style: chr12-109800672-G-C. GRCh37 (hg19) VCF-style: chr12-110238477-G-C.
Other names: c.697C>G, p.Gln233Glu (NM_001177431.2); c.799C>G, p.Gln267Glu (NM_147204.3); c.713-1760C>G (NM_001177433.1, NM_001177428.1); short protein forms Q233E, Q267E.
Identifiers: ClinVar variation 1320446 (VCV001320446.8), dbSNP rs1323996959, ClinGen allele CA386655338.

ClinVar aggregate classification (germline): Uncertain significance. Review status: criteria provided, multiple submitters, no conflicts (2 of 4 stars). 2 submissions from 2 submitters: Uncertain significance (2). Last evaluated 2024-11-18.

Conditions:
Charcot-Marie-Tooth disease axonal type 2C (HMSN2C). Also called: Charcot-Marie-Tooth Disease Type 2, TRPV4-Related (CMT2C); CHARCOT-MARIE-TOOTH DISEASE, AXONAL, AUTOSOMAL DOMINANT, TYPE 2C; Charcot-Marie-Tooth Neuropathy Type 2C. Identifiers: Orphanet 99937, MedGen C1853710, MONDO:0011633, OMIM 606071.

Allele frequency attached by ClinVar (database versions not stated): TOPMed 0.00002; gnomAD 0.00001.
gnomAD v4.1: 2 of 1,614,088 alleles (0.00012%); highest among the groups gnomAD compares: African/African-American, 0.0027%; no homozygotes.

Submissions (2):

Labcorp Genetics (formerly Invitae), Labcorp
Classification: Uncertain significance for Charcot-Marie-Tooth disease axonal type 2C. Last evaluated: 2024-11-18. Review status: criteria provided, single submitter. Criteria: Invitae Variant Classification Sherloc (09022015). Collection method: clinical testing. Allele origin: germline.
Comment: This sequence change replaces glutamine, which is neutral and polar, with glutamic acid, which is acidic and polar, at codon 267 of the TRPV4 protein (p.Gln267Glu). This variant is not present in population databases (gnomAD no frequency). This variant has not been reported in the literature in individuals affected with TRPV4-related conditions. ClinVar contains an entry for this variant (Variation ID: 1320446). Invitae Evidence Modeling of protein sequence and biophysical properties (such as structural, functional, and spatial information, amino acid conservation, physicochemical variation, residue mobility, and thermodynamic stability) indicates that this missense variant is not expected to disrupt TRPV4 protein function with a negative predictive value of 95%. In summary, the available evidence is currently insufficient to determine the role of this variant in disease. Therefore, it has been classified as a Variant of Uncertain Significance.

GeneDx
Classification: Uncertain significance. Last evaluated: 2024-02-05. Review status: criteria provided, single submitter. Criteria: GeneDx Variant Classification Process June 2021. Collection method: clinical testing. Allele origin: germline. Affected: yes.
Comment: Not observed at significant frequency in large population cohorts (gnomAD); In silico analysis supports that this missense variant does not alter protein structure/function; Has not been previously published as pathogenic or benign to our knowledge